The following is an entry in ClinVar:

NM_005051.3(QARS1):c.789+1G>T

Gene: QARS1 (glutaminyl-tRNA synthetase 1; minus strand). Cytogenetic location: 3p21.31.
Variant type: single nucleotide variant.
Coding change: c.789+1G>T on transcript NM_005051.3 (MANE Select); the canonical splice donor site of the intron after coding-DNA position 789, G replaced by T.
Molecular consequence: splice donor variant.
Genome position (GRCh38, 1-based): chr3:49,101,619, C>A on the plus strand (G>T on the coding strand, the complement: QARS1 is on the minus strand). VCF-style: chr3-49101619-C-A. GRCh37 (hg19) VCF-style: chr3-49139052-C-A.
Other names: c.756+1G>T (NM_001272073.2).
Identifiers: ClinVar variation 846851 (VCV000846851.7), dbSNP rs2042472129, ClinGen allele CA352714418.

ClinVar aggregate classification (germline): Likely pathogenic (1 of 4 stars; one submission).

Conditions:
Diffuse cerebral and cerebellar atrophy - intractable seizures - progressive microcephaly syndrome. Also called: Microcephaly, progressive, with seizures and cerebral and cerebellar atrophy. Identifiers: Orphanet 404437, MedGen C4014239, MONDO:0014335, OMIM 615760.

Submission:

Labcorp Genetics (formerly Invitae), Labcorp
Classification: Likely pathogenic for Diffuse cerebral and cerebellar atrophy - intractable seizures - progressive microcephaly syndrome. Last evaluated: 2019-10-21. Review status: criteria provided, single submitter. Criteria: Invitae Variant Classification Sherloc (09022015). Collection method: clinical testing. Allele origin: germline.
Comment: In summary, the currently available evidence indicates that the variant is pathogenic, but additional data are needed to prove that conclusively. Therefore, this variant has been classified as Likely Pathogenic. Donor and acceptor splice site variants typically lead to a loss of protein function (PMID: 16199547), and loss-of-function variants in QARS are known to be pathogenic (PMID: 25471517). Algorithms developed to predict the effect of sequence changes on RNA splicing suggest that this variant may disrupt the consensus splice site, but this prediction has not been confirmed by published transcriptional studies. This variant has not been reported in the literature in individuals with QARS-related conditions. This variant is not present in population databases (ExAC no frequency). This sequence change affects a donor splice site in intron 9 of the QARS gene. It is expected to disrupt RNA splicing and likely results in an absent or disrupted protein product.

Literature cited by the submitters: PubMed 16199547; PubMed 25471517.